The following is an entry in ClinVar:

NM_001044385.3(TMEM237):c.1203_1208del (p.400KE[1])

Gene: TMEM237 (transmembrane protein 237; minus strand). Cytogenetic location: 2q33.1.
Variant type: Deletion.
Coding change: c.1203_1208del on transcript NM_001044385.3 (MANE Select); coding-DNA positions 1203 to 1208, 6 bases deleted (GAAAGA; older notation c.1203_1208delGAAAGA).
Protein change: p.400KE[1].
Molecular consequence: inframe deletion.
Genome position (GRCh38, 1-based): chr2:201,624,274-201,624,279, TCTTTC deleted on the plus strand (GAAAGA on the coding strand, the reverse complement: TMEM237 is on the minus strand); deleting any 6 consecutive bases within chr2:201,624,274-201,624,284 gives the same sequence; the c. name uses the placement nearest the transcript's 3' end. VCF-style (leftmost placement, unchanged base first): chr2-201624273-TTCTTTC-T. GRCh37 (hg19) VCF-style: chr2-202488996-TTCTTTC-T.
Other names: c.1179_1184del, p.392KE[1] (NM_152388.4).
Identifiers: ClinVar variation 1517378 (VCV001517378.6), dbSNP rs765428296, ClinGen allele CA2056271.

ClinVar aggregate classification (germline): Uncertain significance. Review status: criteria provided, multiple submitters, no conflicts (2 of 4 stars). 2 submissions from 2 submitters: Uncertain significance (2). Last evaluated 2022-07-23.

Conditions:
Joubert syndrome 14 (JBTS14). Identifiers: MedGen C3280766, MONDO:0013745, OMIM 614424.

Submissions (2):

Labcorp Genetics (formerly Invitae), Labcorp
Classification: Uncertain significance for Joubert syndrome 14. Last evaluated: 2022-07-23. Review status: criteria provided, single submitter. Criteria: Invitae Variant Classification Sherloc (09022015). Collection method: clinical testing. Allele origin: germline.
Comment: This variant, c.1203_1208del, results in the deletion of 2 amino acid(s) of the TMEM237 protein (p.Lys402_Glu403del), but otherwise preserves the integrity of the reading frame. This variant is present in population databases (rs765428296, gnomAD 0.0009%). This variant has not been reported in the literature in individuals affected with TMEM237-related conditions. ClinVar contains an entry for this variant (Variation ID: 1517378). Experimental studies and prediction algorithms are not available or were not evaluated, and the functional significance of this variant is currently unknown. In summary, the available evidence is currently insufficient to determine the role of this variant in disease. Therefore, it has been classified as a Variant of Uncertain Significance.

Blueprint Genetics
Classification: Uncertain significance. Last evaluated: 2019-04-24. Review status: criteria provided, single submitter. Criteria: ACMG Guidelines, 2015. Collection method: clinical testing. Allele origin: germline.